The following is an entry in ClinVar:

NM_001394062.1(MACF1):c.13675G>T (p.Val4559Phe)

Gene: MACF1 (microtubule actin crosslinking factor 1; plus strand). Cytogenetic location: 1p34.3.
Variant type: single nucleotide variant.
Coding change: c.13675G>T on transcript NM_001394062.1 (MANE Select); coding-DNA position 13675, G replaced by T.
Protein change: p.Val4559Phe; replaces valine 4559 with phenylalanine.
Molecular consequence: missense variant.
Genome position (GRCh38, 1-based): chr1:39,381,979, G>T. VCF-style: chr1-39381979-G-T. GRCh37 (hg19) VCF-style: chr1-39847651-G-T.
Other names: c.7489G>T, p.Val2497Phe (NM_012090.5); c.7489G>T (NM_012090.4); short protein forms V4559F, V2497F.
Identifiers: ClinVar variation 2062211 (VCV002062211.31), dbSNP rs187137636, ClinGen allele CA782115.

ClinVar aggregate classification (germline): Benign/Likely benign. Review status: criteria provided, multiple submitters, no conflicts (2 of 4 stars). 6 submissions from 6 submitters: Benign (3); Likely benign (2). 1 of the submissions does not count toward it. Last evaluated 2025-07-01.

Conditions:
MACF1-related disorder. Also called: MACF1-related condition.
Lissencephaly 9 with complex brainstem malformation. Identifiers: Orphanet 572013, MedGen C5193029, MONDO:0032677, OMIM 618325.
Inborn genetic diseases. Identifiers: MedGen C0950123, MeSH D030342.

Allele frequency attached by ClinVar (database versions not stated): ESP Exome Variant Server 0.00008; gnomAD exomes 0.00026; gnomAD 0.00038; TOPMed 0.00042; ExAC 0.00052; 1000 Genomes Project 30x 0.00062; 1000 Genomes Project 0.00080.
gnomAD v4.1: 455 of 1,614,008 alleles (0.028%); highest among the groups gnomAD compares: East Asian, 0.59%; 3 homozygotes.

Submissions (6):

CeGaT Center for Human Genetics Tuebingen
Classification: Benign. Last evaluated: 2025-07-01. Review status: criteria provided, single submitter. Criteria: CeGaT Center For Human Genetics Tuebingen Variant Classification Criteria Version 2. Collection method: clinical testing. Allele origin: germline. Affected: yes. Observed: 2 variant alleles.
Comment: MACF1: BP4, BS1, BS2

Labcorp Genetics (formerly Invitae), Labcorp
Classification: Benign. Last evaluated: 2025-02-16. Review status: criteria provided, single submitter. Criteria: Invitae Variant Classification Sherloc (09022015). Collection method: clinical testing. Allele origin: germline.

Blueprint Genetics
Classification: Likely benign. Last evaluated: 2024-10-22. Review status: criteria provided, single submitter. Criteria: ACMG Guidelines, 2015. Collection method: clinical testing. Allele origin: germline.

Ambry Genetics
Classification: Likely benign for Inborn genetic diseases. Last evaluated: 2023-06-29. Review status: criteria provided, single submitter. Criteria: Ambry Variant Classification Scheme 2023. Collection method: clinical testing. Allele origin: germline.

Department of Pathology and Laboratory Medicine, Sinai Health System
Classification: Benign for Lissencephaly 9 with complex brainstem malformation. Last evaluated: 2021-07-30. Review status: criteria provided, single submitter. Criteria: ACMG Guidelines, 2015. Collection method: research. Allele origin: germline.

PreventionGenetics, part of Exact Sciences
Classification: Likely benign for MACF1-related condition. Last evaluated: 2020-12-28. Review status: no assertion criteria provided. Collection method: clinical testing. Allele origin: germline. Not counted in ClinVar's aggregate classification.
Comment: This variant is classified as likely benign based on ACMG/AMP sequence variant interpretation guidelines (Richards et al. 2015 PMID: 25741868, with internal and published modifications).